The following is an entry in ClinVar:

ClinVar aggregate classification (germline): Uncertain significance (1 of 4 stars; one submission).

Submission:

Labcorp Genetics (formerly Invitae), Labcorp
Classification: Uncertain significance. Last evaluated: 2022-10-10. Review status: criteria provided, single submitter. Criteria: Invitae Variant Classification Sherloc (09022015). Collection method: clinical testing. Allele origin: germline.
Comment: In summary, the available evidence is currently insufficient to determine the role of this variant in disease. Therefore, it has been classified as a Variant of Uncertain Significance. Algorithms developed to predict the effect of missense changes on protein structure and function are either unavailable or do not agree on the potential impact of this missense change (SIFT: "Deleterious"; PolyPhen-2: "Probably Damaging"; Align-GVGD: "Class C0"). This variant has not been reported in the literature in individuals affected with RORB-related conditions. This variant is not present in population databases (gnomAD no frequency). This sequence change replaces tryptophan, which is neutral and slightly polar, with arginine, which is basic and polar, at codon 259 of the RORB protein (p.Trp259Arg).

NM_006914.4(RORB):c.775T>A (p.Trp259Arg)

Gene: RORB (RAR related orphan receptor B; plus strand). Cytogenetic location: 9q21.13.
Variant type: single nucleotide variant.
Coding change: c.775T>A on transcript NM_006914.4 (MANE Select); coding-DNA position 775, T replaced by A.
Protein change: p.Trp259Arg; replaces tryptophan 259 with arginine.
Molecular consequence: missense variant.
Genome position (GRCh38, 1-based): chr9:74,662,489, T>A. VCF-style: chr9-74662489-T-A. GRCh37 (hg19) VCF-style: chr9-77277405-T-A.
Other names: c.808T>A, p.Trp270Arg (NM_001365023.1); short protein forms W259R, W270R.
Identifiers: ClinVar variation 1721293 (VCV001721293.5), dbSNP rs2489626099, ClinGen allele CA373770678.